The following is an entry in ClinVar:

ClinVar aggregate classification (germline): Uncertain significance. Review status: criteria provided, multiple submitters, no conflicts (2 of 4 stars). 2 submissions from 2 submitters: Uncertain significance (2). Last evaluated 2024-12-03.

Allele frequency attached by ClinVar (database versions not stated): gnomAD exomes below 0.00001; TOPMed below 0.00001; gnomAD 0.00001.
gnomAD v4.1: 8 of 1,613,810 alleles (0.0005%); highest among the groups gnomAD compares: East Asian, 0.0045%; no homozygotes.

Submissions (2):

Labcorp Genetics (formerly Invitae), Labcorp
Classification: Uncertain significance. Last evaluated: 2024-12-03. Review status: criteria provided, single submitter. Criteria: Invitae Variant Classification Sherloc (09022015). Collection method: clinical testing. Allele origin: germline.
Comment: This sequence change replaces arginine, which is basic and polar, with histidine, which is basic and polar, at codon 771 of the CLCN6 protein (p.Arg771His). This variant is not present in population databases (gnomAD no frequency). This variant has not been reported in the literature in individuals affected with CLCN6-related conditions. ClinVar contains an entry for this variant (Variation ID: 1482172). An algorithm developed to predict the effect of missense changes on protein structure and function (PolyPhen-2) suggests that this variant is likely to be tolerated. In summary, the available evidence is currently insufficient to determine the role of this variant in disease. Therefore, it has been classified as a Variant of Uncertain Significance.

Ambry Genetics
Classification: Uncertain significance. Last evaluated: 2021-09-01. Review status: criteria provided, single submitter. Criteria: Ambry Variant Classification Scheme 2023. Collection method: clinical testing. Allele origin: germline.

NM_001286.5(CLCN6):c.2312G>A (p.Arg771His)

Gene: CLCN6 (chloride voltage-gated channel 6; plus strand). Cytogenetic location: 1p36.22.
Variant type: single nucleotide variant.
Coding change: c.2312G>A on transcript NM_001286.5 (MANE Select); coding-DNA position 2312, G replaced by A.
Protein change: p.Arg771His; replaces arginine 771 with histidine.
Molecular consequence: missense variant. On other transcripts: non-coding transcript variant (1).
Genome position (GRCh38, 1-based): chr1:11,838,351, G>A. VCF-style: chr1-11838351-G-A. GRCh37 (hg19) VCF-style: chr1-11898408-G-A.
Other names: c.2246G>A, p.Arg749His (NM_001256959.2); c.2312G>A (NM_001286.2); short protein forms R749H, R771H.
Identifiers: ClinVar variation 1482172 (VCV001482172.9), dbSNP rs1252391264, ClinGen allele CA338442645.